The following is an entry in ClinVar:

ClinVar aggregate classification (germline): Uncertain significance (1 of 4 stars; one submission).

Submission:

CeGaT Center for Human Genetics Tuebingen
Classification: Uncertain significance. Last evaluated: 2024-08-01. Review status: criteria provided, single submitter. Criteria: CeGaT Center For Human Genetics Tuebingen Variant Classification Criteria Version 2. Collection method: clinical testing. Allele origin: germline. Affected: yes. Observed: 1 variant allele.
Comment: AP4E1: PM2

NM_007347.5(AP4E1):c.526A>G (p.Lys176Glu)

Gene: AP4E1 (adaptor related protein complex 4 subunit epsilon 1; plus strand). Cytogenetic location: 15q21.2.
Variant type: single nucleotide variant.
Coding change: c.526A>G on transcript NM_007347.5 (MANE Select); coding-DNA position 526, A replaced by G.
Protein change: p.Lys176Glu; replaces lysine 176 with glutamic acid.
Molecular consequence: missense variant.
Genome position (GRCh38, 1-based): chr15:50,925,203, A>G. VCF-style: chr15-50925203-A-G. GRCh37 (hg19) VCF-style: chr15-51217400-A-G.
Other names: c.301A>G, p.Lys101Glu (NM_001252127.2); short protein forms K101E, K176E.
Identifiers: ClinVar variation 3342137 (VCV003342137.16).
Genomic context (GRCh38, chr15:50,925,203, plus strand): 5'-GTTGTTAGCCAGATTTTCCCCTGCGAAATGATTCCAGCTGTTCTTCCATTAATAGAAGAT[A>G]AACTTCAACATTCTAAGTAAGTAAATTCTTTTGGGATAGGCATCTATGCCATATATTTCA-3'
Protein context (NP_031373.2, residues 166-186): IPAVLPLIED[Lys176Glu]LQHSKEIVRR